The following is an entry in ClinVar:

ClinVar aggregate classification (germline): Uncertain significance. Review status: criteria provided, multiple submitters, no conflicts (2 of 4 stars). 3 submissions from 3 submitters: Uncertain significance (3). Last evaluated 2025-04-29.

Conditions:
Hereditary cancer-predisposing syndrome. Also called: Neoplastic Syndromes, Hereditary; Hereditary neoplastic syndrome; Tumor predisposition; Hereditary Cancer Syndrome. Identifiers: Orphanet 140162, MedGen C0027672, MeSH D009386, MONDO:0015356.
Haddad syndrome (OHD). Also called: Ondine-Hirschsprung disease. Identifiers: Orphanet 99803, MedGen C1859049, MONDO:0020493.

Submissions (3):

Ambry Genetics
Classification: Uncertain significance for Hereditary cancer-predisposing syndrome. Last evaluated: 2025-04-29. Review status: criteria provided, single submitter. Criteria: Ambry Variant Classification Scheme 2023. Collection method: clinical testing. Allele origin: germline.
Comment: The p.V116I variant (also known as c.346G>A), located in coding exon 2 of the PHOX2B gene, results from a G to A substitution at nucleotide position 346. The valine at codon 116 is replaced by isoleucine, an amino acid with highly similar properties. This amino acid position is highly conserved in available vertebrate species. In addition, the in silico prediction for this alteration is inconclusive. Based on the available evidence, the clinical significance of this variant remains unclear.

GeneDx
Classification: Uncertain significance. Last evaluated: 2024-02-20. Review status: criteria provided, single submitter. Criteria: GeneDx Variant Classification Process June 2021. Collection method: clinical testing. Allele origin: germline. Affected: yes.
Comment: Not observed at significant frequency in large population cohorts (gnomAD); In silico analysis supports that this missense variant does not alter protein structure/function; Has not been previously published as pathogenic or benign to our knowledge

Labcorp Genetics (formerly Invitae), Labcorp
Classification: Uncertain significance for Haddad syndrome. Last evaluated: 2023-07-17. Review status: criteria provided, single submitter. Criteria: Invitae Variant Classification Sherloc (09022015). Collection method: clinical testing. Allele origin: germline.
Comment: In summary, the available evidence is currently insufficient to determine the role of this variant in disease. Therefore, it has been classified as a Variant of Uncertain Significance. Advanced modeling of protein sequence and biophysical properties (such as structural, functional, and spatial information, amino acid conservation, physicochemical variation, residue mobility, and thermodynamic stability) performed at Invitae indicates that this missense variant is not expected to disrupt PHOX2B protein function. ClinVar contains an entry for this variant (Variation ID: 2496877). This variant has not been reported in the literature in individuals affected with PHOX2B-related conditions. This variant is not present in population databases (gnomAD no frequency). This sequence change replaces valine, which is neutral and non-polar, with isoleucine, which is neutral and non-polar, at codon 116 of the PHOX2B protein (p.Val116Ile).

NM_003924.4(PHOX2B):c.346G>A (p.Val116Ile)

Gene: PHOX2B (paired like homeobox 2B; minus strand). Cytogenetic location: 4p13.
Variant type: single nucleotide variant.
Coding change: c.346G>A on transcript NM_003924.4 (MANE Select); coding-DNA position 346, G replaced by A.
Protein change: p.Val116Ile; replaces valine 116 with isoleucine.
Molecular consequence: missense variant.
Genome position (GRCh38, 1-based): chr4:41,747,432, C>T on the plus strand (G>A on the coding strand, the complement: PHOX2B is on the minus strand). VCF-style: chr4-41747432-C-T. GRCh37 (hg19) VCF-style: chr4-41749449-C-T.
Other names: short protein forms V116I.
Identifiers: ClinVar variation 2496877 (VCV002496877.7), dbSNP rs1461502463, ClinGen allele CA356740186.